The following is an entry in ClinVar:

NM_005228.5(EGFR):c.1420A>T (p.Thr474Ser)

Gene: EGFR (epidermal growth factor receptor; plus strand). Cytogenetic location: 7p11.2.
Variant type: single nucleotide variant.
Coding change: c.1420A>T on transcript NM_005228.5 (MANE Select); coding-DNA position 1420, A replaced by T.
Protein change: p.Thr474Ser; replaces threonine 474 with serine.
Molecular consequence: missense variant.
Genome position (GRCh38, 1-based): chr7:55,160,260, A>T. VCF-style: chr7-55160260-A-T. GRCh37 (hg19) VCF-style: chr7-55227953-A-T.
Other names: c.1285A>T, p.Thr429Ser (NM_001346897.2, NM_001346899.2); c.1420A>T, p.Thr474Ser (NM_001346898.2, NM_201282.2, NM_201284.2); c.1261A>T, p.Thr421Ser (NM_001346900.2); c.619A>T, p.Thr207Ser (NM_001346941.2); short protein forms T207S, T429S, T474S, T421S.
Identifiers: ClinVar variation 4714319 (VCV004714319.1).

ClinVar aggregate classification (germline): Uncertain significance (1 of 4 stars; one submission).

Conditions:
EGFR-related lung cancer (EGFR). Identifiers: MedGen CN130014.

Submission:

Labcorp Genetics (formerly Invitae), Labcorp
Classification: Uncertain significance for EGFR-related lung cancer. Last evaluated: 2025-03-04. Review status: criteria provided, single submitter. Criteria: Invitae Variant Classification Sherloc (09022015). Collection method: clinical testing. Allele origin: germline.
Comment: This sequence change replaces threonine, which is neutral and polar, with serine, which is neutral and polar, at codon 474 of the EGFR protein (p.Thr474Ser). This variant is not present in population databases (gnomAD no frequency). This variant has not been reported in the literature in individuals affected with EGFR-related conditions. An algorithm developed to predict the effect of missense changes on protein structure and function (PolyPhen-2) suggests that this variant is likely to be tolerated. In summary, the available evidence is currently insufficient to determine the role of this variant in disease. Therefore, it has been classified as a Variant of Uncertain Significance.